The following is an entry in ClinVar:

ClinVar aggregate classification (germline): Uncertain significance. Review status: criteria provided, multiple submitters, no conflicts (2 of 4 stars). 2 submissions from 2 submitters: Uncertain significance (2). Last evaluated 2024-04-09.

Conditions:
Inborn genetic diseases. Identifiers: MedGen C0950123, MeSH D030342.

Allele frequency attached by ClinVar (database versions not stated): gnomAD 0.00002; TOPMed 0.00003; ExAC 0.00004; gnomAD exomes 0.00004.
gnomAD v4.1: 55 of 1,613,752 alleles (0.0034%); highest among the groups gnomAD compares: South Asian, 0.016%; 1 homozygote.

Submissions (2):

Ambry Genetics
Classification: Uncertain significance for Inborn genetic diseases. Last evaluated: 2024-04-09. Review status: criteria provided, single submitter. Criteria: Ambry Variant Classification Scheme 2023. Collection method: clinical testing. Allele origin: germline.

Labcorp Genetics (formerly Invitae), Labcorp
Classification: Uncertain significance. Last evaluated: 2023-12-07. Review status: criteria provided, single submitter. Criteria: Invitae Variant Classification Sherloc (09022015). Collection method: clinical testing. Allele origin: germline.
Comment: This sequence change replaces arginine, which is basic and polar, with glutamine, which is neutral and polar, at codon 334 of the TJP2 protein (p.Arg334Gln). This variant is present in population databases (rs767665295, gnomAD 0.02%). This variant has not been reported in the literature in individuals affected with TJP2-related conditions. Advanced modeling of protein sequence and biophysical properties (such as structural, functional, and spatial information, amino acid conservation, physicochemical variation, residue mobility, and thermodynamic stability) performed at Invitae indicates that this missense variant is not expected to disrupt TJP2 protein function with a negative predictive value of 80%. In summary, the available evidence is currently insufficient to determine the role of this variant in disease. Therefore, it has been classified as a Variant of Uncertain Significance.

NM_004817.4(TJP2):c.1001G>A (p.Arg334Gln)

Gene: TJP2 (tight junction protein 2; plus strand). Cytogenetic location: 9q21.11.
Variant type: single nucleotide variant.
Coding change: c.1001G>A on transcript NM_004817.4 (MANE Select); coding-DNA position 1001, G replaced by A.
Protein change: p.Arg334Gln; replaces arginine 334 with glutamine.
Molecular consequence: missense variant.
Genome position (GRCh38, 1-based): chr9:69,225,352, G>A. VCF-style: chr9-69225352-G-A. GRCh37 (hg19) VCF-style: chr9-71840268-G-A.
Other names: c.932G>A, p.Arg311Gln (NM_001170414.2, NM_001369870.1, NM_001369871.1); c.1013G>A, p.Arg338Gln (NM_001170415.1, NM_001369874.1, NM_001369875.1); c.1094G>A, p.Arg365Gln (NM_001170416.2); c.1001G>A, p.Arg334Gln (NM_001369872.1, NM_001369873.1, NM_201629.3); c.1001G>A (NM_004817.3); short protein forms R311Q, R365Q, R338Q, R334Q.
Identifiers: ClinVar variation 3019357 (VCV003019357.2), dbSNP rs767665295, ClinGen allele CA5073163.